The following is an entry in ClinVar:

NM_173076.3(ABCA12):c.7542+1G>A

Genes: ABCA12 (ATP binding cassette subfamily A member 12; minus strand), SNHG31 (small nucleolar RNA host gene 31; plus strand). Cytogenetic location: 2q35.
Variant type: single nucleotide variant.
Coding change: c.7542+1G>A on transcript NM_173076.3 (MANE Select); the canonical splice donor site of the intron after coding-DNA position 7542, G replaced by A.
Molecular consequence: splice donor variant.
Genome position (GRCh38, 1-based): chr2:214,937,509, C>T on the plus strand (G>A on the coding strand, the complement: ABCA12 is on the minus strand). VCF-style: chr2-214937509-C-T. GRCh37 (hg19) VCF-style: chr2-215802233-C-T.
Other names: c.6588+1G>A (NM_015657.4).
Identifiers: ClinVar variation 2860532 (VCV002860532.3), dbSNP rs2469102307, ClinGen allele CA350792856.

ClinVar aggregate classification (germline): Likely pathogenic (1 of 4 stars; one submission).

Submission:

Labcorp Genetics (formerly Invitae), Labcorp
Classification: Likely pathogenic. Last evaluated: 2023-04-29. Review status: criteria provided, single submitter. Criteria: Invitae Variant Classification Sherloc (09022015). Collection method: clinical testing. Allele origin: germline.
Comment: This sequence change affects a donor splice site in intron 51 of the ABCA12 gene. It is expected to disrupt RNA splicing. Variants that disrupt the donor or acceptor splice site typically lead to a loss of protein function (PMID: 16199547), and loss-of-function variants in ABCA12 are known to be pathogenic (PMID: 20672373). This variant is not present in population databases (gnomAD no frequency). This variant has not been reported in the literature in individuals affected with ABCA12-related conditions. Algorithms developed to predict the effect of sequence changes on RNA splicing suggest that this variant may disrupt the consensus splice site. In summary, the currently available evidence indicates that the variant is pathogenic, but additional data are needed to prove that conclusively. Therefore, this variant has been classified as Likely Pathogenic.

Literature cited by the submitters: PubMed 16199547; PubMed 20672373.